The following is an entry in ClinVar:

ClinVar aggregate classification (germline): Benign (0 of 4 stars; one submission).

Conditions:
NLRP5-related disorder. Also called: NLRP5-related condition.

Allele frequency attached by ClinVar (database versions not stated): 1000 Genomes Project 0.01338; 1000 Genomes Project 30x 0.01312; ESP Exome Variant Server 0.02581.
gnomAD v4.1: 50,913 of 1,611,388 alleles (3.2%); highest among the groups gnomAD compares: Non-Finnish European, 3.5%; 964 homozygotes.

Submission:

PreventionGenetics, part of Exact Sciences
Classification: Benign for NLRP5-related condition. Last evaluated: 2019-10-04. Review status: no assertion criteria provided. Collection method: clinical testing. Allele origin: germline.
Comment: This variant is classified as benign based on ACMG/AMP sequence variant interpretation guidelines (Richards et al. 2015 PMID: 25741868, with internal and published modifications).

NM_001433705.1(NLRP5):c.2129G>T (p.Arg710Leu)

Gene: NLRP5 (NLR family pyrin domain containing 5; plus strand). Cytogenetic location: 19q13.43.
Variant type: single nucleotide variant.
Coding change: c.2129G>T on transcript NM_001433705.1 (MANE Select); coding-DNA position 2129, G replaced by T.
Protein change: p.Arg710Leu; replaces arginine 710 with leucine.
Molecular consequence: missense variant.
Genome position (GRCh38, 1-based): chr19:56,032,616, G>T. VCF-style: chr19-56032616-G-T. GRCh37 (hg19) VCF-style: chr19-56543982-G-T.
Other names: NM_153447.4:c.2282G>T; short protein forms R710L.
Identifiers: ClinVar variation 3059211 (VCV003059211.2), dbSNP rs17713875, ClinGen allele CA9685835.